The following is an entry in ClinVar:

NM_144687.4(NLRP12):c.2853C>A (p.Asn951Lys)

Gene: NLRP12 (NLR family pyrin domain containing 12; minus strand). Cytogenetic location: 19q13.42.
Variant type: single nucleotide variant.
Coding change: c.2853C>A on transcript NM_144687.4 (MANE Select); coding-DNA position 2853, C replaced by A.
Protein change: p.Asn951Lys; replaces asparagine 951 with lysine.
Molecular consequence: missense variant. On other transcripts: intron variant (1).
Genome position (GRCh38, 1-based): chr19:53,798,317, G>T on the plus strand (C>A on the coding strand, the complement: NLRP12 is on the minus strand). VCF-style: chr19-53798317-G-T. GRCh37 (hg19) VCF-style: chr19-54301571-G-T.
Other names: c.2853C>A (NM_144687.2); c.2856C>A, p.Asn952Lys (NM_001277126.2); c.2757-2288C>A (NM_001277129.1); short protein forms N951K, N952K.
Identifiers: ClinVar variation 665461 (VCV000665461.9), dbSNP rs376516191, ClinGen allele CA9638884.
Genomic context (GRCh38, chr19:53,798,317, plus strand): 5'-TCTGCAGGCGGGATGTTGCAGCCCCTCAGCCAGCAACCACAGGCCCCAGTCTCCCAGGTC[G>T]TTGAAACTCAAGTCCAGCTCCCGGAGGTTGTGGTTGGCCTGGAGCACCACAGAAAGACCC-3'
Protein context (NP_653288.1, residues 941-961): HNLRELDLSF[Asn951Lys]DLGDWGLWLL

ClinVar aggregate classification (germline): Uncertain significance. Review status: criteria provided, multiple submitters, no conflicts (2 of 4 stars). 2 submissions from 2 submitters: Uncertain significance (2). Last evaluated 2025-07-02.

Conditions:
Familial cold autoinflammatory syndrome 2 (FCAS2). Identifiers: Orphanet 247868, MedGen C2673198, MONDO:0012724, OMIM 611762.
Inborn genetic diseases. Identifiers: MedGen C0950123, MeSH D030342.

Allele frequency attached by ClinVar (database versions not stated): TOPMed 0.00007.
gnomAD v4.1: 12 of 1,614,048 alleles (0.00074%); highest among the groups gnomAD compares: African/African-American, 0.015%; no homozygotes.

Submissions (2):

Labcorp Genetics (formerly Invitae), Labcorp
Classification: Uncertain significance for Familial cold autoinflammatory syndrome 2. Last evaluated: 2025-07-02. Review status: criteria provided, single submitter. Criteria: Invitae Variant Classification Sherloc (09022015). Collection method: clinical testing. Allele origin: germline.
Comment: This sequence change replaces asparagine, which is neutral and polar, with lysine, which is basic and polar, at codon 951 of the NLRP12 protein (p.Asn951Lys). This variant is present in population databases (rs376516191, gnomAD 0.02%). This variant has not been reported in the literature in individuals affected with NLRP12-related conditions. ClinVar contains an entry for this variant (Variation ID: 665461). An algorithm developed to predict the effect of missense changes on protein structure and function (PolyPhen-2) suggests that this variant is likely to be disruptive. In summary, the available evidence is currently insufficient to determine the role of this variant in disease. Therefore, it has been classified as a Variant of Uncertain Significance.

Ambry Genetics
Classification: Uncertain significance for Inborn genetic diseases. Last evaluated: 2025-06-10. Review status: criteria provided, single submitter. Criteria: Ambry Variant Classification Scheme 2023. Collection method: clinical testing. Allele origin: germline.